The following is an entry in ClinVar:

NM_016030.6(TRAPPC12):c.1601A>G (p.Gln534Arg)

Gene: TRAPPC12 (trafficking protein particle complex subunit 12; plus strand). Cytogenetic location: 2p25.3.
Variant type: single nucleotide variant.
Coding change: c.1601A>G on transcript NM_016030.6 (MANE Select); coding-DNA position 1601, A replaced by G.
Protein change: p.Gln534Arg; replaces glutamine 534 with arginine.
Molecular consequence: missense variant.
Genome position (GRCh38, 1-based): chr2:3,457,691, A>G. VCF-style: chr2-3457691-A-G. GRCh37 (hg19) VCF-style: chr2-3461462-A-G.
Other names: c.1601A>G, p.Gln534Arg (NM_001321102.2); short protein forms Q534R.
Identifiers: ClinVar variation 1964545 (VCV001964545.2), dbSNP rs771677124, ClinGen allele CA1515513.

ClinVar aggregate classification (germline): Uncertain significance (1 of 4 stars; one submission).

Allele frequency attached by ClinVar (database versions not stated): ExAC 0.00001; gnomAD exomes 0.00001.
gnomAD v4.1: 4 of 1,610,260 alleles (0.00025%); highest among the groups gnomAD compares: Admixed American, 0.0033%; no homozygotes.

Submission:

Labcorp Genetics (formerly Invitae), Labcorp
Classification: Uncertain significance. Last evaluated: 2022-08-22. Review status: criteria provided, single submitter. Criteria: Invitae Variant Classification Sherloc (09022015). Collection method: clinical testing. Allele origin: germline.
Comment: This sequence change replaces glutamine, which is neutral and polar, with arginine, which is basic and polar, at codon 534 of the TRAPPC12 protein (p.Gln534Arg). The frequency data for this variant in the population databases is considered unreliable, as metrics indicate poor data quality at this position in the gnomAD database. This variant has not been reported in the literature in individuals affected with TRAPPC12-related conditions. Algorithms developed to predict the effect of missense changes on protein structure and function output the following: SIFT: "Not Available"; PolyPhen-2: "Benign"; Align-GVGD: "Not Available". The arginine amino acid residue is found in multiple mammalian species, which suggests that this missense change does not adversely affect protein function. In summary, the available evidence is currently insufficient to determine the role of this variant in disease. Therefore, it has been classified as a Variant of Uncertain Significance.